The following is an entry in ClinVar:

NM_001042432.2(CLN3):c.607A>T (p.Thr203Ser)

Gene: CLN3 (CLN3 lysosomal/endosomal transmembrane protein, battenin; minus strand). Cytogenetic location: 16p12.1.
Variant type: single nucleotide variant.
Coding change: c.607A>T on transcript NM_001042432.2 (MANE Select); coding-DNA position 607, A replaced by T.
Protein change: p.Thr203Ser; replaces threonine 203 with serine.
Molecular consequence: missense variant.
Genome position (GRCh38, 1-based): chr16:28,486,417, T>A on the plus strand (A>T on the coding strand, the complement: CLN3 is on the minus strand). VCF-style: chr16-28486417-T-A. GRCh37 (hg19) VCF-style: chr16-28497738-T-A.
Other names: c.607A>T, p.Thr203Ser (NM_000086.2); c.535A>T, p.Thr179Ser (NM_001286104.2); c.307A>T, p.Thr103Ser (NM_001286105.2); c.373A>T, p.Thr125Ser (NM_001286109.2); c.445A>T, p.Thr149Ser (NM_001286110.2); short protein forms T103S, T149S, T179S, T125S, T203S.
Identifiers: ClinVar variation 5005563 (VCV005005563.2).
Genomic context (GRCh38, chr16:28,486,417, plus strand): 5'-GCAGGGCAGGGATACCCAGCATGGACAGCAGGGTCTGCTGAGGGGAGAGGCCGGCCTGGG[T>A]GAGGCCCAGGTAGGACAGGGCCCCCAGCAGCCCAGCTCCCCCAGTCCCTGAGGACCACCA-3'
Protein context (NP_001035897.1, residues 193-213): LLGALSYLGL[Thr203Ser]QAGLSPQQTL

ClinVar aggregate classification (germline): Uncertain significance (1 of 4 stars; one submission).

Conditions:
Neuronal ceroid lipofuscinosis 3 (CLN3). Identifiers: Orphanet 228346, MedGen C0751383, MONDO:0008767, OMIM 204200.

Submission:

Juno Genomics, Hangzhou Juno Genomics, Inc
Classification: Uncertain significance for Neuronal ceroid lipofuscinosis 3. Review status: criteria provided, single submitter. Criteria: ACMG Guidelines, 2015. Collection method: clinical testing. Allele origin: germline.
Comment: Absent from controls (or at extremely low frequency if recessive) in Genome Aggregation Database.